The following is an entry in ClinVar:

ClinVar aggregate classification (germline): Pathogenic (0 of 4 stars; one submission).

Conditions:
Kidney stone. Also called: Nephrolithiasis. Identifiers: MedGen C0392525, MONDO:0008171, HP:0000787.

Allele frequency attached by ClinVar (database versions not stated): 1000 Genomes Project 0.00080; ESP Exome Variant Server 0.00169; ExAC 0.00264; TOPMed 0.00145; gnomAD exomes 0.00226 and 0.00282; gnomAD 0.00186 and 0.00193; 1000 Genomes Project 30x 0.00062.
gnomAD v4.1: 4,352 of 1,613,820 alleles (0.27%); highest among the groups gnomAD compares: Non-Finnish European, 0.31%; 4 homozygotes.

Submission:

Genomic Medicine Lab, University of Southampton
Classification: Pathogenic for Kidney stone. Last evaluated: 2020-01-01. Review status: no assertion criteria provided. Collection method: research. Allele origin: germline. Inheritance: Autosomal dominant inheritance. Affected: yes. Observed: 21 variant alleles.
Comment: DNA from three stone-formers in a Southampton family (UK) and two from an Italian family were analyzed independently by whole exome sequencing. Selected variants were genotyped across all available members of both pedigrees. Mutated and wild type SLC25A25 expressed in yeast mitochondria was purified and incorporated into liposomes. [14C]-ATP uptake was measured with and without added calcium. All five patients had a heterozygous dominant variant (rs140777921; c.1047 G>C, p. Gln349His; Reference Sequence NM_001006641.3) of SLC25A25 which encodes the calcium regulated mitochondrial ATP-Mg/Pi carrier 3 (APC3). Non-stone formers also carried the variant indicating incomplete penetrance. From modelling, the variant may abolish a conserved polar interaction causing structural instability. Transport activity was reduced to approximately 20% of the wild type. Calcium regulation was unaffected.

NM_001330988.2(SLC25A25):c.1083G>C (p.Gln361His)

Gene: SLC25A25 (solute carrier family 25 member 25; plus strand). Cytogenetic location: 9q34.11.
Variant type: single nucleotide variant.
Coding change: c.1083G>C on transcript NM_001330988.2 (MANE Select); coding-DNA position 1083, G replaced by C.
Protein change: p.Gln361His; replaces glutamine 361 with histidine.
Molecular consequence: missense variant. On other transcripts: non-coding transcript variant (1).
Genome position (GRCh38, 1-based): chr9:128,106,391, G>C. VCF-style: chr9-128106391-G-C. GRCh37 (hg19) VCF-style: chr9-130868670-G-C.
Other names: c.1047G>C, p.Gln349His (NM_001006641.4); c.1005G>C, p.Gln335His (NM_001006642.4); c.1041G>C, p.Gln347His (NM_001265614.3); c.945G>C, p.Gln315His (NM_052901.5); short protein forms Q315H, Q335H, Q347H, Q349H, Q361H.
Identifiers: ClinVar variation 981158 (VCV000981158.3), dbSNP rs140777921, ClinGen allele CA5255947.